The following is an entry in ClinVar:

ClinVar aggregate classification (germline): Conflicting classifications of pathogenicity. Review status: criteria provided, conflicting classifications (1 of 4 stars). 2 submissions from 2 submitters: Uncertain significance (1); Likely benign (1). Last evaluated 2025-07-31.

Allele frequency attached by ClinVar (database versions not stated): TOPMed below 0.00001; gnomAD 0.00001; ExAC 0.00005.
gnomAD v4.1: 8 of 1,553,568 alleles (0.00051%); highest among the groups gnomAD compares: South Asian, 0.0012%; no homozygotes.

Submissions (2):

Ambry Genetics
Classification: Likely benign. Last evaluated: 2025-07-31. Review status: criteria provided, single submitter. Criteria: Ambry Variant Classification Scheme 2023. Collection method: clinical testing. Allele origin: germline.

Labcorp Genetics (formerly Invitae), Labcorp
Classification: Uncertain significance. Last evaluated: 2024-05-29. Review status: criteria provided, single submitter. Criteria: Invitae Variant Classification Sherloc (09022015). Collection method: clinical testing. Allele origin: germline.
Comment: This sequence change replaces valine, which is neutral and non-polar, with methionine, which is neutral and non-polar, at codon 60 of the SLC27A5 protein (p.Val60Met). This variant is present in population databases (rs769657523, gnomAD 0.004%). This variant has not been reported in the literature in individuals affected with SLC27A5-related conditions. Algorithms developed to predict the effect of missense changes on protein structure and function output the following: SIFT: "Not Available"; PolyPhen-2: "Benign"; Align-GVGD: "Not Available". The methionine amino acid residue is found in multiple mammalian species, which suggests that this missense change does not adversely affect protein function. In summary, the available evidence is currently insufficient to determine the role of this variant in disease. Therefore, it has been classified as a Variant of Uncertain Significance.

NM_012254.3(SLC27A5):c.178G>A (p.Val60Met)

Gene: SLC27A5 (solute carrier family 27 member 5; minus strand). Cytogenetic location: 19q13.43.
Variant type: single nucleotide variant.
Coding change: c.178G>A on transcript NM_012254.3 (MANE Select); coding-DNA position 178, G replaced by A.
Protein change: p.Val60Met; replaces valine 60 with methionine.
Molecular consequence: missense variant.
Genome position (GRCh38, 1-based): chr19:58,511,778, C>T on the plus strand (G>A on the coding strand, the complement: SLC27A5 is on the minus strand). VCF-style: chr19-58511778-C-T. GRCh37 (hg19) VCF-style: chr19-59023145-C-T.
Other names: c.178G>A (NM_012254.2); c.178G>A, p.Val60Met (NM_001321196.2); short protein forms V60M.
Identifiers: ClinVar variation 2896730 (VCV002896730.4), dbSNP rs769657523, ClinGen allele CA9718330.